The following is an entry in ClinVar:

ClinVar aggregate classification (germline): Benign. Review status: criteria provided, multiple submitters, no conflicts (2 of 4 stars). 2 submissions from 2 submitters: Benign (2). Last evaluated 2018-06-14.

Allele frequency attached by ClinVar (database versions not stated): 1000 Genomes Project 0.33347; 1000 Genomes Project 30x 0.33463; TOPMed 0.34332; gnomAD 0.34893 and 0.35005.
gnomAD v4.1: 210,830 of 594,666 alleles (35%); highest among the groups gnomAD compares: South Asian, 45%; 38,670 homozygotes.

Submissions (2):

GeneDx
Classification: Benign. Last evaluated: 2018-06-14. Review status: criteria provided, single submitter. Criteria: GeneDx Variant Classification (06012015). Collection method: clinical testing. Allele origin: germline. Affected: yes.
Comment: This variant is considered likely benign or benign based on one or more of the following criteria: it is a conservative change, it occurs at a poorly conserved position in the protein, it is predicted to be benign by multiple in silico algorithms, and/or has population frequency not consistent with disease.

Breakthrough Genomics
Classification: Benign. Review status: criteria provided, single submitter. Criteria: ACMG Guidelines, 2015. Collection method: not provided. Allele origin: germline. Inheritance: Autosomal recessive inheritance. Affected: yes.

NM_017739.4(POMGNT1):c.1539+215T>G

Genes: POMGNT1 (protein O-linked mannose N-acetylglucosaminyltransferase 1 (beta 1,2-); minus strand), TSPAN1 (tetraspanin 1; plus strand). Cytogenetic location: 1p34.1.
Variant type: single nucleotide variant.
Coding change: c.1539+215T>G on transcript NM_017739.4 (MANE Select); 215 bases into the intron after coding-DNA position 1539, T replaced by G.
Molecular consequence: intron variant.
Genome position (GRCh38, 1-based): chr1:46,191,883, A>C on the plus strand (T>G on the coding strand, the complement: POMGNT1 is on the minus strand). VCF-style: chr1-46191883-A-C. GRCh37 (hg19) VCF-style: chr1-46657555-A-C.
Other names: c.1539+215T>G (NM_001243766.2, NM_001438686.1, NM_001438688.1 and 3 more transcripts); c.1473+215T>G (NM_001290129.3, NM_001438691.1, NM_001438692.1); c.1110+215T>G (NM_001290130.2).
Identifiers: ClinVar variation 667976 (VCV000667976.2), dbSNP rs7519275, ClinGen allele CA10670801.
Genomic context (GRCh38, chr1:46,191,883, plus strand): 5'-ATGGGGTTTCACCATGTTAGCCAGGATGGTCTCGATCTCCTGACCTTGTGATCCACCCGC[A>C]TCGGCCTCCCAAAGTGCTGGGATTACAGGCGTGAGCCACCGCGCCCAGCCCTTTATCCTC-3'